The following is an entry in ClinVar:

ClinVar aggregate classification (germline): Likely benign (1 of 4 stars; one submission).

Submission:

CeGaT Center for Human Genetics Tuebingen
Classification: Likely benign. Last evaluated: 2023-02-01. Review status: criteria provided, single submitter. Criteria: CeGaT Center For Human Genetics Tuebingen Variant Classification Criteria Version 2. Collection method: clinical testing. Allele origin: germline. Affected: yes. Observed: 1 variant allele.
Comment: ZXDB: PM2:Supporting, BP4, BP7

NM_007157.4(ZXDB):c.498G>A (p.Ala166=)

Genes: ZXDB (zinc finger X-linked duplicated B; plus strand), LOC130068356 (ATAC-STARR-seq lymphoblastoid silent region 20871; plus strand). Cytogenetic location: Xp11.21.
Variant type: single nucleotide variant.
Coding change: c.498G>A on transcript NM_007157.4 (MANE Select); coding-DNA position 498, G replaced by A.
Protein change: p.Ala166=; no amino-acid change (alanine 166 retained).
Molecular consequence: synonymous variant.
Genome position (GRCh38, 1-based): chrX:57,592,546, G>A. VCF-style: chrX-57592546-G-A. GRCh37 (hg19) VCF-style: chrX-57618979-G-A.
Identifiers: ClinVar variation 2660727 (VCV002660727.24), dbSNP rs780037117, ClinGen allele CA516703078.
Genomic context (GRCh38, chrX:57,592,546, plus strand): 5'-CCTGTCCGCGGTTCCCACTCCGGCCCCGATCTCCGCCCCCGGCCCCGCCGCGGCCTTCGC[G>A]GGCACAGTCACTATCCACAACCAGGACCTGCTGTTGCGCTTTGAGAACGGCGTCCTCACC-3'
Protein context (NP_009088.1, residues 156-176): ISAPGPAAAF[Ala166=]GTVTIHNQDL